The following is an entry in ClinVar:

NM_000260.4(MYO7A):c.1422G>A (p.Gln474=)

Gene: MYO7A (myosin VIIA; plus strand). Cytogenetic location: 11q13.5.
Variant type: single nucleotide variant.
Coding change: c.1422G>A on transcript NM_000260.4 (MANE Select); coding-DNA position 1422, G replaced by A.
Protein change: p.Gln474=; no amino-acid change (glutamine 474 retained).
Molecular consequence: synonymous variant.
Genome position (GRCh38, 1-based): chr11:77,162,198, G>A. VCF-style: chr11-77162198-G-A. GRCh37 (hg19) VCF-style: chr11-76873244-G-A.
Other names: c.1422G>A, p.Gln474= (NM_001127180.2); c.1389G>A, p.Gln463= (NM_001369365.1).
Identifiers: ClinVar variation 43147 (VCV000043147.26), dbSNP rs201332147, ClinGen allele CA132206.

ClinVar aggregate classification (germline): Likely benign. Review status: criteria provided, multiple submitters, no conflicts (2 of 4 stars). 5 submissions from 5 submitters: Likely benign (5). Last evaluated 2026-01-26.

Allele frequency attached by ClinVar (database versions not stated): gnomAD 0.00043 and 0.00042; gnomAD exomes 0.00064 and 0.00031; ExAC 0.00067; 1000 Genomes Project 30x 0.00016; 1000 Genomes Project 0.00020; TOPMed 0.00034; ESP Exome Variant Server 0.00039.
gnomAD v4.1: 974 of 1,594,874 alleles (0.061%); highest among the groups gnomAD compares: Non-Finnish European, 0.08%; no homozygotes.

Submissions (5):

Labcorp Genetics (formerly Invitae), Labcorp
Classification: Likely benign. Last evaluated: 2026-01-26. Review status: criteria provided, single submitter. Criteria: Invitae Variant Classification Sherloc (09022015). Collection method: clinical testing. Allele origin: germline.

CeGaT Center for Human Genetics Tuebingen
Classification: Likely benign. Last evaluated: 2025-09-01. Review status: criteria provided, single submitter. Criteria: CeGaT Center For Human Genetics Tuebingen Variant Classification Criteria Version 2. Collection method: clinical testing. Allele origin: germline. Affected: yes. Observed: 1 variant allele.
Comment: MYO7A: BP4

Blueprint Genetics
Classification: Likely benign. Last evaluated: 2024-07-22. Review status: criteria provided, single submitter. Criteria: ACMG Guidelines, 2015. Collection method: clinical testing. Allele origin: germline.

GeneDx
Classification: Likely benign. Last evaluated: 2020-06-09. Review status: criteria provided, single submitter. Criteria: GeneDx Variant Classification Process June 2021. Collection method: clinical testing. Allele origin: germline. Affected: yes.

Laboratory for Molecular Medicine, Mass General Brigham Personalized Medicine
Classification: Likely benign. Last evaluated: 2016-01-15. Review status: criteria provided, single submitter. Criteria: LMM Criteria. Collection method: clinical testing. Allele origin: germline. Observed: 4 variant alleles.
Comment: p.Gln474Gln in Exon 13 of MYO7A: This variant is not expected to have clinical s ignificance because it does not alter an amino acid residue, is not located with in the splice consensus sequence, and has been identified in 0.1% (31/25766) Eur opean chromosomes by the Exome Aggregation Consortium (ExAC; dbSNP rs201332147).